The following is an entry in ClinVar:

NM_022114.4(PRDM16):c.625C>T (p.His209Tyr)

Gene: PRDM16 (PR/SET domain 16; plus strand). Cytogenetic location: 1p36.32.
Variant type: single nucleotide variant.
Coding change: c.625C>T on transcript NM_022114.4 (MANE Select); coding-DNA position 625, C replaced by T.
Protein change: p.His209Tyr; replaces histidine 209 with tyrosine.
Molecular consequence: missense variant.
Genome position (GRCh38, 1-based): chr1:3,396,542, C>T. VCF-style: chr1-3396542-C-T. GRCh37 (hg19) VCF-style: chr1-3313106-C-T.
Other names: c.625C>T, p.His209Tyr (NM_199454.3); short protein forms H209Y.
Identifiers: ClinVar variation 541376 (VCV000541376.12), dbSNP rs533353039, ClinGen allele CA543891.

ClinVar aggregate classification (germline): Uncertain significance. Review status: criteria provided, multiple submitters, no conflicts (2 of 4 stars). 2 submissions from 2 submitters: Uncertain significance (2). Last evaluated 2024-09-12.

Conditions:
Left ventricular noncompaction 8 (LVNC8). Identifiers: Orphanet 154, Orphanet 54260, MedGen C3809288, MONDO:0014152, OMIM 615373.

Allele frequency attached by ClinVar (database versions not stated): gnomAD exomes below 0.00001; gnomAD 0.00001 and 0.00003; TOPMed 0.00001; ExAC 0.00003; 1000 Genomes Project 30x 0.00016; 1000 Genomes Project 0.00020.

Submissions (2):

Labcorp Genetics (formerly Invitae), Labcorp
Classification: Uncertain significance for Left ventricular noncompaction 8. Last evaluated: 2024-09-12. Review status: criteria provided, single submitter. Criteria: Invitae Variant Classification Sherloc (09022015). Collection method: clinical testing. Allele origin: germline.
Comment: This sequence change replaces histidine, which is basic and polar, with tyrosine, which is neutral and polar, at codon 209 of the PRDM16 protein (p.His209Tyr). The frequency data for this variant in the population databases is considered unreliable, as metrics indicate poor data quality at this position in the gnomAD database. This variant has not been reported in the literature in individuals affected with PRDM16-related conditions. ClinVar contains an entry for this variant (Variation ID: 541376). An algorithm developed to predict the effect of missense changes on protein structure and function outputs the following: PolyPhen-2: "Benign". The tyrosine amino acid residue is found in multiple mammalian species, which suggests that this missense change does not adversely affect protein function. In summary, the available evidence is currently insufficient to determine the role of this variant in disease. Therefore, it has been classified as a Variant of Uncertain Significance.

GeneDx
Classification: Uncertain significance. Last evaluated: 2019-12-03. Review status: criteria provided, single submitter. Criteria: GeneDx Variant Classification Process June 2021. Collection method: clinical testing. Allele origin: germline. Affected: yes.
Comment: Has not been previously published as pathogenic or benign to our knowledge; Not observed at a significant frequency in large population cohorts (Lek et al., 2016); In silico analysis, which includes protein predictors and evolutionary conservation, supports that this variant does not alter protein structure/function; Reported in ClinVar as a variant of uncertain significance (ClinVar Variant ID# 541376; Landrum et al., 2016)